The following is an entry in ClinVar:

ClinVar aggregate classification (germline): Uncertain significance. Review status: criteria provided, multiple submitters, no conflicts (2 of 4 stars). 2 submissions from 2 submitters: Uncertain significance (2). Last evaluated 2022-03-04.

Conditions:
Periventricular nodular heterotopia 7 (PVNH7). Identifiers: MedGen C4310669, MONDO:0014966, OMIM 617201.

Allele frequency attached by ClinVar (database versions not stated): gnomAD exomes below 0.00001 and 0.00001.
gnomAD v4.1: 3 of 1,611,894 alleles (0.00019%); highest among the groups gnomAD compares: Non-Finnish European, 0.00025%; no homozygotes.

Submissions (2):

Fulgent Genetics
Classification: Uncertain significance for Periventricular nodular heterotopia 7. Last evaluated: 2022-03-04. Review status: criteria provided, single submitter. Criteria: ACMG Guidelines, 2015. Collection method: clinical testing. Allele origin: unknown.

Labcorp Genetics (formerly Invitae), Labcorp
Classification: Uncertain significance. Last evaluated: 2019-11-11. Review status: criteria provided, single submitter. Criteria: Invitae Variant Classification Sherloc (09022015). Collection method: clinical testing. Allele origin: germline.
Comment: Algorithms developed to predict the effect of missense changes on protein structure and function are either unavailable or do not agree on the potential impact of this missense change (SIFT: "Tolerated"; PolyPhen-2: "Probably Damaging"; Align-GVGD: "Class C0"). This variant has not been reported in the literature in individuals with NEDD4L-related conditions. This variant is not present in population databases (ExAC no frequency). This sequence change replaces phenylalanine with leucine at codon 715 of the NEDD4L protein (p.Phe715Leu). The phenylalanine residue is highly conserved and there is a small physicochemical difference between phenylalanine and leucine. In summary, the available evidence is currently insufficient to determine the role of this variant in disease. Therefore, it has been classified as a Variant of Uncertain Significance.

NM_001144967.3(NEDD4L):c.2205T>G (p.Phe735Leu)

Gene: NEDD4L (NEDD4 like E3 ubiquitin protein ligase; plus strand). Cytogenetic location: 18q21.31.
Variant type: single nucleotide variant.
Coding change: c.2205T>G on transcript NM_001144967.3 (MANE Select); coding-DNA position 2205, T replaced by G.
Protein change: p.Phe735Leu; replaces phenylalanine 735 with leucine.
Molecular consequence: missense variant.
Genome position (GRCh38, 1-based): chr18:58,370,416, T>G. VCF-style: chr18-58370416-T-G. GRCh37 (hg19) VCF-style: chr18-56037648-T-G.
Other names: c.1842T>G, p.Phe614Leu (NM_001144964.1, NM_001144965.2, NM_001144966.3); c.2181T>G, p.Phe727Leu (NM_001144968.2); c.2121T>G, p.Phe707Leu (NM_001144969.2); c.1782T>G, p.Phe594Leu (NM_001144970.3, NM_001144971.2); c.2013T>G, p.Phe671Leu (NM_001243960.2); c.2145T>G, p.Phe715Leu (NM_015277.6); short protein forms F614L, F594L, F671L, F707L, F715L, F727L, F735L.
Identifiers: ClinVar variation 960577 (VCV000960577.10), dbSNP rs1242218314, ClinGen allele CA402550951.